The following is an entry in ClinVar:

NM_000379.4(XDH):c.775G>A (p.Val259Met)

Gene: XDH (xanthine dehydrogenase; minus strand). Cytogenetic location: 2p23.1.
Variant type: single nucleotide variant.
Coding change: c.775G>A on transcript NM_000379.4 (MANE Select); coding-DNA position 775, G replaced by A.
Protein change: p.Val259Met; replaces valine 259 with methionine.
Molecular consequence: missense variant.
Genome position (GRCh38, 1-based): chr2:31,386,432, C>T on the plus strand (G>A on the coding strand, the complement: XDH is on the minus strand). VCF-style: chr2-31386432-C-T. GRCh37 (hg19) VCF-style: chr2-31609298-C-T.
Other names: short protein forms V259M.
Identifiers: ClinVar variation 1038083 (VCV001038083.9), dbSNP rs373279221, ClinGen allele CA1599493.

ClinVar aggregate classification (germline): Uncertain significance. Review status: criteria provided, multiple submitters, no conflicts (2 of 4 stars). 3 submissions from 3 submitters: Uncertain significance (3). Last evaluated 2024-04-13.

Conditions:
Xanthinuria type II. Also called: Xanthine dehydrogenase and aldehyde oxidase combined deficiency of; XDH and AOX dual deficiency. Identifiers: Orphanet 3467, Orphanet 93602, MedGen C1863688, MONDO:0011346, OMIM 603592.
Hereditary xanthinuria type 1 (XAN1). Identifiers: Orphanet 3467, Orphanet 93601, MedGen C0268118, MONDO:0010209, OMIM 278300.

Allele frequency attached by ClinVar (database versions not stated): TOPMed 0.00007; ESP Exome Variant Server 0.00008.
gnomAD v4.1: 338 of 1,613,514 alleles (0.021%); highest among the groups gnomAD compares: Non-Finnish European, 0.026%; no homozygotes.

Submissions (3):

Fulgent Genetics
Classification: Uncertain significance for Hereditary xanthinuria type 1. Last evaluated: 2024-04-13. Review status: criteria provided, single submitter. Criteria: ACMG Guidelines, 2015. Collection method: clinical testing. Allele origin: germline.

Blueprint Genetics
Classification: Uncertain significance. Last evaluated: 2023-12-08. Review status: criteria provided, single submitter. Criteria: ACMG Guidelines, 2015. Collection method: clinical testing. Allele origin: germline.

Labcorp Genetics (formerly Invitae), Labcorp
Classification: Uncertain significance for Xanthinuria type II. Last evaluated: 2021-09-01. Review status: criteria provided, single submitter. Criteria: Invitae Variant Classification Sherloc (09022015). Collection method: clinical testing. Allele origin: germline.
Comment: This sequence change replaces valine with methionine at codon 259 of the XDH protein (p.Val259Met). The valine residue is highly conserved and there is a small physicochemical difference between valine and methionine. This variant is present in population databases (rs373279221, ExAC 0.009%). This variant has not been reported in the literature in individuals affected with XDH-related conditions. Algorithms developed to predict the effect of missense changes on protein structure and function are either unavailable or do not agree on the potential impact of this missense change (SIFT: "Deleterious"; PolyPhen-2: "Benign"; Align-GVGD: "Class C0"). In summary, the available evidence is currently insufficient to determine the role of this variant in disease. Therefore, it has been classified as a Variant of Uncertain Significance.